The following is an entry in ClinVar:

NM_001171.6(ABCC6):c.4008C>T (p.His1336=)

Gene: ABCC6 (ATP binding cassette subfamily C member 6; minus strand). Cytogenetic location: 16p13.11.
Variant type: single nucleotide variant.
Coding change: c.4008C>T on transcript NM_001171.6 (MANE Select); coding-DNA position 4008, C replaced by T.
Protein change: p.His1336=; no amino-acid change (histidine 1336 retained).
Molecular consequence: synonymous variant. On other transcripts: non-coding transcript variant (1).
Genome position (GRCh38, 1-based): chr16:16,154,906, G>A on the plus strand (C>T on the coding strand, the complement: ABCC6 is on the minus strand). VCF-style: chr16-16154906-G-A. GRCh37 (hg19) VCF-style: chr16-16248763-G-A.
Other names: c.3666C>T, p.His1222= (NM_001351800.1); c.4008C>T (NM_001171.5).
Identifiers: ClinVar variation 1660895 (VCV001660895.10), dbSNP rs146265944, ClinGen allele CA7925351.
Genomic context (GRCh38, chr16:16,154,906, plus strand): 5'-TTTGCCCACCCCCTCCACCAGCCTCACCTGGGGGATGATGCTGATCCTGGAGCGCAGTGT[G>A]TGCAGCCCCACGTGGGCAATGGGGACCCCGTCGATCCAGATCCCACCCTCAGCTGCCTCC-3'
Protein context (NP_001162.5, residues 1326-1346): DGVPIAHVGL[His1336=]TLRSRISIIP

ClinVar aggregate classification (germline): Likely benign. Review status: criteria provided, multiple submitters, no conflicts (2 of 4 stars). 3 submissions from 3 submitters: Likely benign (3). Last evaluated 2026-01-18.

Conditions:
ABCC6-related disorder. Also called: ABCC6-related condition.

Allele frequency attached by ClinVar (database versions not stated): gnomAD exomes 0.00002; gnomAD 0.00003; TOPMed 0.00005; ExAC 0.00006; ESP Exome Variant Server 0.00008.
gnomAD v4.1: 126 of 1,611,150 alleles (0.0078%); highest among the groups gnomAD compares: Middle Eastern, 0.016%; no homozygotes.

Submissions (3):

Labcorp Genetics (formerly Invitae), Labcorp
Classification: Likely benign. Last evaluated: 2026-01-18. Review status: criteria provided, single submitter. Criteria: Invitae Variant Classification Sherloc (09022015). Collection method: clinical testing. Allele origin: germline.

PreventionGenetics, part of Exact Sciences
Classification: Likely benign for ABCC6-related condition. Last evaluated: 2025-12-23. Review status: criteria provided, single submitter. Criteria: ACMG Guidelines, 2015. Collection method: clinical testing. Allele origin: germline.
Comment: This variant is classified as likely benign based on ACMG/AMP sequence variant interpretation guidelines (Richards et al. 2015 PMID: 25741868, with internal and published modifications).

Blueprint Genetics
Classification: Likely benign. Last evaluated: 2023-01-11. Review status: criteria provided, single submitter. Criteria: ACMG Guidelines, 2015. Collection method: clinical testing. Allele origin: germline.